The following is an entry in ClinVar:

NM_002454.3(MTRR):c.903+469T>C

Gene: MTRR (5-methyltetrahydrofolate-homocysteine methyltransferase reductase; plus strand). Cytogenetic location: 5p15.31.
Variant type: single nucleotide variant.
Coding change: c.903+469T>C on transcript NM_002454.3 (MANE Select); 469 bases into the intron after coding-DNA position 903, T replaced by C.
Molecular consequence: intron variant. On other transcripts: non-coding transcript variant (2).
Genome position (GRCh38, 1-based): chr5:7,883,746, T>C. VCF-style: chr5-7883746-T-C. GRCh37 (hg19) VCF-style: chr5-7883859-T-C.
Other names: c.903+469T>C (NM_001364440.2, NM_001364441.2, NM_001364442.2 and 1 more transcripts).
Identifiers: ClinVar variation 662553 (VCV000662553.52), dbSNP rs893229476, ClinGen allele CA113805327.
Genomic context (GRCh38, chr5:7,883,746, plus strand): 5'-TCTCTTCTATTTTCACACCTATTTTCTTTCCACTTCAGGGAAGGACTAGGGAAGAATGGC[T>C]GGAGGAGATTCAGCCTGAGAGGAAGATGCTGGCTTACTCAATAAGCCATGAAAGAATAAT-3'

ClinVar aggregate classification (germline): Pathogenic. Review status: criteria provided, multiple submitters, no conflicts (2 of 4 stars). 12 submissions from 12 submitters: Pathogenic (10). 2 of the submissions do not count toward it. Last evaluated 2025-12-04.

Conditions:
Disorders of Intracellular Cobalamin Metabolism. Identifiers: MedGen CN043592.
Methylcobalamin deficiency type cblE (HMAE). Also called: HOMOCYSTINURIA-MEGALOBLASTIC ANEMIA, cblE COMPLEMENTATION TYPE; VITAMIN B12-RESPONSIVE HOMOCYSTINURIA, cblE TYPE; HOMOCYSTINURIA-MEGALOBLASTIC ANEMIA, cblE TYPE. Identifiers: Orphanet 2169, Orphanet 622, MedGen C1856057, MONDO:0009354, OMIM 236270.
MTRR-related disorder. Also called: MTRR-related condition.
Neural tube defects, folate-sensitive (NTDFS). Also called: NTD, FOLATE-SENSITIVE. Identifiers: Orphanet 823, MedGen C1866558, MONDO:0011120, OMIM 601634.

Allele frequency attached by ClinVar (database versions not stated): TOPMed 0.00002; gnomAD 0.00007.

Submissions (12):

Natera, Inc.
Classification: Pathogenic for CblE complementation type homocystinuria-megaloblastic anemia due to defect in cobalamin metabolism. Last evaluated: 2025-12-04. Review status: criteria provided, single submitter. Criteria: Natera Variant Classification Schema (03/2026). Collection method: clinical testing. Allele origin: germline.
Comment: The c.903+469T>C variant in MTRR is an intronic variant located outside the canonical splice sites. This variant is rare in the general population with a frequency below the threshold expected for the associated phenotype(s). This variant has been observed in one or more individuals affected with the associated recessive disease, as either homozygous or compound heterozygous with a second variant (PMID: 15714522). Given the available evidence, this variant is classified as Pathogenic.

Labcorp Genetics (formerly Invitae), Labcorp
Classification: Pathogenic for Methylcobalamin deficiency type cblE. Last evaluated: 2025-11-23. Review status: criteria provided, single submitter. Criteria: Invitae Variant Classification Sherloc (09022015). Collection method: clinical testing. Allele origin: germline.
Comment: This sequence change falls in intron 6 of the MTRR gene. It does not directly change the encoded amino acid sequence of the MTRR protein. RNA analysis indicates that this variant induces altered splicing and may result in an absent or altered protein product. This variant is present in population databases (no rsID available, gnomAD 0.02%). This variant has been observed in individuals with homocystinuria due to cobalamin E deficiency (PMID: 10484769, 12555939, 15714522). This variant is also known as c.903-904ins140. ClinVar contains an entry for this variant (Variation ID: 662553). Studies have shown that this variant results in insertion of 140 nucleotides, and produces a non-functional protein and/or introduces a premature termination codon (PMID: 12555939, 20120036). For these reasons, this variant has been classified as Pathogenic.

First Genomix Gene Laboratory, Genetic Diagnostics Department
Classification: Pathogenic for Methylcobalamin deficiency type cblE. Last evaluated: 2025-07-16. Review status: criteria provided, single submitter. Criteria: ACMG Guidelines, 2015. Collection method: clinical testing. Allele origin: germline. Inheritance: Autosomal recessive inheritance. Affected: no. Observed: 1 variant allele.

GeneDx
Classification: Pathogenic. Last evaluated: 2024-11-26. Review status: criteria provided, single submitter. Criteria: GeneDx Variant Classification Process June 2021. Collection method: clinical testing. Allele origin: germline. Affected: yes.
Comment: Non-canonical splice site variant demonstrated to result in loss of function (PMID: 10484769); Also known as c.903-904ins140; This variant is associated with the following publications: (PMID: 15714522, 25878036, 12555939, 20120036, 10484769, 33980297)

Blueprint Genetics
Classification: Pathogenic for MTRR-related disorders. Last evaluated: 2024-09-09. Review status: criteria provided, single submitter. Criteria: ACMG Guidelines, 2015. Collection method: clinical testing. Allele origin: germline. Affected: yes. Observed: 5 variant alleles.

Baylor Genetics
Classification: Pathogenic for Neural tube defects, folate-sensitive. Last evaluated: 2024-03-04. Review status: criteria provided, single submitter. Criteria: ACMG Guidelines, 2015. Collection method: clinical testing. Allele origin: unknown.

CeGaT Center for Human Genetics Tuebingen
Classification: Pathogenic. Last evaluated: 2023-10-01. Review status: criteria provided, single submitter. Criteria: CeGaT Center For Human Genetics Tuebingen Variant Classification Criteria Version 2. Collection method: clinical testing. Allele origin: germline. Affected: yes. Observed: 2 variant alleles.
Comment: MTRR: PM3:Very Strong, PM2, PP4:Moderate, PS3:Moderate

Women's Health and Genetics/Laboratory Corporation of America, LabCorp
Classification: Pathogenic for Methylcobalamin deficiency type cblE. Last evaluated: 2023-07-27. Review status: criteria provided, single submitter. Criteria: LabCorp Variant Classification Summary - May 2015. Collection method: clinical testing. Allele origin: germline.
Comment: Variant summary: MTRR c.903+469T>C alters a non-conserved nucleotide located at a position not widely known to affect splicing. 4/4 computational tools predict no significant impact on normal splicing at the specific intronic location, however, at-least one publication reports experimental evidence that this variant affects mRNA splicing resulting in a pseudoexon inclusion attributed to the creation of an exonic splicing enhancer (Homolova_2010). The variant allele was found at a frequency of 9.6e-05 in 31400 control chromosomes. c.903+469T>C is the most frequent mutation causing the cblE type of homocystinuria and has been reported in the literature in individuals affected with Homocystinuria-Megaloblastic Anemia, cbl E type (example, Wilson_1999, Zavadakova_2002, Lotz-Havla_2021). These data indicate that the variant is likely to be associated with disease. The following publications have been ascertained in the context of this evaluation (PMID: 20120036, 33980297, 10484769, 15714522, 12555939). Four submitters have cited clinical-significance assessments for this variant to ClinVar after 2014. All submitters classified the variant as pathogenic. Based on the evidence outlined above, the variant was classified as pathogenic.

Department of Pathology and Laboratory Medicine, Sinai Health System
Classification: Pathogenic for Methylcobalamin deficiency type cblE. Last evaluated: 2022-02-11. Review status: criteria provided, single submitter. Criteria: ACMG Guidelines, 2015. Collection method: research. Allele origin: germline.

Mendelics
Classification: Pathogenic for Methylcobalamin deficiency type cblE. Last evaluated: 2019-05-28. Review status: criteria provided, single submitter. Criteria: Mendelics Assertion Criteria 2017. Collection method: clinical testing. Allele origin: unknown.

OMIM
Classification: Pathogenic for HOMOCYSTINURIA-MEGALOBLASTIC ANEMIA, cblE COMPLEMENTATION TYPE. Last evaluated: 2002-10-01. Review status: no assertion criteria provided. Collection method: literature only. Allele origin: germline. Not counted in ClinVar's aggregate classification.

GeneReviews
No classification provided. Condition: Disorders of Intracellular Cobalamin Metabolism. Review status: no classification provided. Collection method: literature only. Allele origin: germline. Not counted in ClinVar's aggregate classification.

Literature cited by the submitters: PubMed 15714522 (cited by 4 submitters); PubMed 10484769 (cited by 3 submitters); PubMed 12555939 (cited by 4 submitters); PubMed 20120036 (cited by 3 submitters); PubMed 33980297 (cited by Women's Health and Genetics/Laboratory Corporation of America, LabCorp).